The following is an entry in ClinVar:

ClinVar aggregate classification (germline): not provided (0 of 4 stars; one submission).

Allele frequency attached by ClinVar (database versions not stated): gnomAD 0.00001 and 0.00003; gnomAD exomes 0.00001; ExAC 0.00002; TOPMed 0.00002.
gnomAD v4.1: 27 of 1,611,406 alleles (0.0017%); highest among the groups gnomAD compares: South Asian, 0.016%; no homozygotes.

Submission:

Human Evolutionary Genetics, Institut Pasteur
No classification provided. Review status: no classification provided. Collection method: not provided. Allele origin: germline.
ClinVar note: Converted during submission from untested to not provided.

NM_001127255.2(NLRP7):c.1235T>C (p.Leu412Pro)

Gene: NLRP7 (NLR family pyrin domain containing 7; minus strand). Cytogenetic location: 19q13.42.
Variant type: single nucleotide variant.
Coding change: c.1235T>C on transcript NM_001127255.2 (MANE Select); coding-DNA position 1235, T replaced by C.
Protein change: p.Leu412Pro; replaces leucine 412 with proline.
Molecular consequence: missense variant.
Genome position (GRCh38, 1-based): chr19:54,939,584, A>G on the plus strand (T>C on the coding strand, the complement: NLRP7 is on the minus strand). VCF-style: chr19-54939584-A-G. GRCh37 (hg19) VCF-style: chr19-55450952-A-G.
Other names: c.1235T>C, p.Leu412Pro (NM_001405531.1, NM_139176.4, NM_206828.4); short protein forms L412P.
Identifiers: ClinVar variation 127258 (VCV000127258.4), dbSNP rs199475828, ClinGen allele CA230823.